The following is an entry in ClinVar:

NM_001754.5(RUNX1):c.-19G>A

Gene: RUNX1 (RUNX family transcription factor 1; minus strand). Cytogenetic location: 21q22.12.
Variant type: single nucleotide variant.
Coding change: c.-19G>A on transcript NM_001754.5 (MANE Select); 19 bases upstream of the start codon, G replaced by A.
Molecular consequence: 5 prime UTR variant.
Genome position (GRCh38, 1-based): chr21:35,048,918, C>T on the plus strand (G>A on the coding strand, the complement: RUNX1 is on the minus strand). VCF-style: chr21-35048918-C-T. GRCh37 (hg19) VCF-style: chr21-36421215-C-T.
Identifiers: ClinVar variation 561219 (VCV000561219.3), dbSNP rs1568815605, ClinGen allele CA658824065.

ClinVar aggregate classification (germline): Likely benign. Review status: reviewed by expert panel (3 of 4 stars). 2 submissions from 2 submitters: Likely benign (1). 1 of the submissions does not count toward it. Last evaluated 2023-11-13.

Conditions:
Hereditary thrombocytopenia and hematologic cancer predisposition syndrome. Identifiers: Orphanet 71290, MedGen CN281654, MONDO:0011071.

Submissions (2):

ClinGen Myeloid Malignancy Variant Curation Expert Panel
Classification: Likely benign for Hereditary thrombocytopenia and hematologic cancer predisposition syndrome. Last evaluated: 2023-11-13. Review status: reviewed by expert panel. Criteria: ClinGen MyeloMalig ACMG Specifications v2. Collection method: curation. Allele origin: germline. Inheritance: Autosomal dominant inheritance.
Comment: NM_001754.5(RUNX1):c.-19G>A is an intronic variant. This variant is completely absent from all population databases with at least 20x coverage for RUNX1 (PM2_supporting). REVEl score not applicable and SpliceAI is <=0.20 (0.02) (BP4). Evolutionary conservation prediction algorithms predict the site as not being conserved (PhyloP score 0.31 < 2.0) (BP7).In summary, the clinical significance of this variant is Likely Benign. ACMG/AMP criteria applied, as specified by the Myeloid Malignancy Variant Curation Expert Panel for RUNX1: BP4, BP7, PM2

PreventionGenetics, part of Exact Sciences
Classification: Likely benign. Last evaluated: 2016-12-17. Review status: criteria provided, single submitter. Criteria: ACMG Guidelines, 2015. Collection method: clinical testing. Allele origin: germline. Not counted in ClinVar's aggregate classification.